The following is an entry in ClinVar:

NM_014270.5(SLC7A9):c.422A>T (p.Tyr141Phe)

Gene: SLC7A9 (solute carrier family 7 member 9; minus strand). Cytogenetic location: 19q13.11.
Variant type: single nucleotide variant.
Coding change: c.422A>T on transcript NM_014270.5 (MANE Select); coding-DNA position 422, A replaced by T.
Protein change: p.Tyr141Phe; replaces tyrosine 141 with phenylalanine.
Molecular consequence: missense variant.
Genome position (GRCh38, 1-based): chr19:32,864,152, T>A on the plus strand (A>T on the coding strand, the complement: SLC7A9 is on the minus strand). VCF-style: chr19-32864152-T-A. GRCh37 (hg19) VCF-style: chr19-33355058-T-A.
Other names: c.422A>T, p.Tyr141Phe (NM_001126335.2, NM_001243036.2); short protein forms Y141F.
Identifiers: ClinVar variation 4706699 (VCV004706699.1).

ClinVar aggregate classification (germline): Uncertain significance (1 of 4 stars; one submission).

gnomAD v4.1: 8 of 1,614,010 alleles (0.0005%); highest among the groups gnomAD compares: African/African-American, 0.004%; no homozygotes.

Submission:

Labcorp Genetics (formerly Invitae), Labcorp
Classification: Uncertain significance. Last evaluated: 2026-01-09. Review status: criteria provided, single submitter. Criteria: Invitae Variant Classification Sherloc (09022015). Collection method: clinical testing. Allele origin: germline.
Comment: This sequence change replaces tyrosine, which is neutral and polar, with phenylalanine, which is neutral and non-polar, at codon 141 of the SLC7A9 protein (p.Tyr141Phe). This variant is present in population databases (no rsID available, gnomAD 0.008%). This variant has not been reported in the literature in individuals affected with SLC7A9-related conditions. Invitae Evidence Modeling of protein sequence and biophysical properties (such as structural, functional, and spatial information, amino acid conservation, physicochemical variation, residue mobility, and thermodynamic stability) indicates that this missense variant is not expected to disrupt SLC7A9 protein function with a negative predictive value of 80%. In summary, the available evidence is currently insufficient to determine the role of this variant in disease. Therefore, it has been classified as a Variant of Uncertain Significance.